The following is an entry in ClinVar:

NM_181507.2(HPS5):c.3058+2T>C

Gene: HPS5 (HPS5 biogenesis of lysosomal organelles complex 2 subunit 2; minus strand). Cytogenetic location: 11p15.1.
Variant type: single nucleotide variant.
Coding change: c.3058+2T>C on transcript NM_181507.2 (MANE Select); the canonical splice donor site of the intron after coding-DNA position 3058, T replaced by C.
Molecular consequence: splice donor variant.
Genome position (GRCh38, 1-based): chr11:18,283,793, A>G on the plus strand (T>C on the coding strand, the complement: HPS5 is on the minus strand). VCF-style: chr11-18283793-A-G. GRCh37 (hg19) VCF-style: chr11-18305340-A-G.
Other names: c.2644+2T>C (NM_001440929.1, NM_001440928.1, NM_001440927.1); c.2716+2T>C (NM_181508.2, NM_001440921.1, NM_001440926.1 and 5 more transcripts); c.2947+2T>C (NM_001440915.1, NM_001440914.1, NM_001440913.1); c.2203+2T>C (NM_001440931.1); c.2902+2T>C (NM_001440917.1); c.3058+2T>C (NM_001440906.1, NM_001440905.1, NM_001440903.1 and 1 more transcripts); c.2983+2T>C (NM_001440907.1, NM_001440909.1, NM_001440908.1); c.2596+2T>C (NM_001440930.1); and 5 more.
Identifiers: ClinVar variation 2696390 (VCV002696390.3), dbSNP rs2494413662, ClinGen allele CA379513256.
Genomic context (GRCh38, chr11:18,283,793, plus strand): 5'-GAGAGGTCTGGAGTAACTTCTAAAAATTGACAACCAAGAGTAACCAGTTAGGATTGACAT[A>G]CCATTGTCCCCTTCCATCAGGCTCATATCATTCAGATACACAATATTGGTGAAGGCCTCT-3'

ClinVar aggregate classification (germline): Likely pathogenic (1 of 4 stars; one submission).

Submission:

Labcorp Genetics (formerly Invitae), Labcorp
Classification: Likely pathogenic. Last evaluated: 2023-11-17. Review status: criteria provided, single submitter. Criteria: Invitae Variant Classification Sherloc (09022015). Collection method: clinical testing. Allele origin: germline.
Comment: This sequence change affects a donor splice site in intron 21 of the HPS5 gene. It is expected to disrupt RNA splicing. Variants that disrupt the donor or acceptor splice site typically lead to a loss of protein function (PMID: 16199547), and loss-of-function variants in HPS5 are known to be pathogenic (PMID: 12548288, 15296495, 21833017, 26785811). This variant is not present in population databases (gnomAD no frequency). This variant has not been reported in the literature in individuals affected with HPS5-related conditions. Algorithms developed to predict the effect of sequence changes on RNA splicing suggest that this variant may disrupt the consensus splice site. In summary, the currently available evidence indicates that the variant is pathogenic, but additional data are needed to prove that conclusively. Therefore, this variant has been classified as Likely Pathogenic.

Literature cited by the submitters: PubMed 16199547; PubMed 12548288; PubMed 15296495; PubMed 21833017; PubMed 26785811.